The following is an entry in ClinVar:

ClinVar aggregate classification (germline): Uncertain significance (1 of 4 stars; one submission).

Conditions:
Neuronal ceroid lipofuscinosis. Also called: Neuronal Ceroid Lipofuscinoses. Identifiers: Orphanet 216, Orphanet 79263, MedGen C0027877, MONDO:0016295. Disease mechanism: loss of function.

Submission:

Labcorp Genetics (formerly Invitae), Labcorp
Classification: Uncertain significance for Neuronal ceroid lipofuscinosis. Last evaluated: 2021-08-13. Review status: criteria provided, single submitter. Criteria: Invitae Variant Classification Sherloc (09022015). Collection method: clinical testing. Allele origin: germline.
Comment: This sequence change replaces serine with alanine at codon 39 of the CLN5 protein (p.Ser39Ala). The serine residue is weakly conserved and there is a moderate physicochemical difference between serine and alanine. This variant is not present in population databases (ExAC no frequency). This variant has not been reported in the literature in individuals affected with CLN5-related conditions. Algorithms developed to predict the effect of missense changes on protein structure and function output the following: SIFT: "Deleterious"; PolyPhen-2: "Benign"; Align-GVGD: "Class C0". The alanine amino acid residue is found in multiple mammalian species, which suggests that this missense change does not adversely affect protein function. In summary, the available evidence is currently insufficient to determine the role of this variant in disease. Therefore, it has been classified as a Variant of Uncertain Significance.

NC_000013.11:g.76992066T>G

Gene: CLN5 (CLN5 lysosomal BMP synthase; plus strand). Cytogenetic location: 13q22.3.
Variant type: single nucleotide variant.
Genome position: GRCh38 VCF-style: chr13-76992066-T-G. GRCh37 (hg19) VCF-style: chr13-77566201-T-G.
Identifiers: ClinVar variation 1432934 (VCV001432934.5), dbSNP rs1223625391, ClinGen allele CA388306053.